The following is an entry in ClinVar:

NM_001375524.1(TRRAP):c.9365G>T (p.Gly3122Val)

Gene: TRRAP (transformation/transcription domain associated protein; plus strand). Cytogenetic location: 7q22.1.
Variant type: single nucleotide variant.
Coding change: c.9365G>T on transcript NM_001375524.1 (MANE Select); coding-DNA position 9365, G replaced by T.
Protein change: p.Gly3122Val; replaces glycine 3122 with valine.
Molecular consequence: missense variant.
Genome position (GRCh38, 1-based): chr7:98,985,020, G>T. VCF-style: chr7-98985020-G-T. GRCh37 (hg19) VCF-style: chr7-98582643-G-T.
Other names: c.9377G>T, p.Gly3126Val (NM_001244580.2); c.9290G>T, p.Gly3097Val (NM_003496.4); short protein forms G3097V, G3122V, G3126V.
Identifiers: ClinVar variation 1718900 (VCV001718900.5), dbSNP rs2484980519, ClinGen allele CA368319793.

ClinVar aggregate classification (germline): Uncertain significance (1 of 4 stars; one submission).

Submission:

Labcorp Genetics (formerly Invitae), Labcorp
Classification: Uncertain significance. Last evaluated: 2022-10-13. Review status: criteria provided, single submitter. Criteria: Invitae Variant Classification Sherloc (09022015). Collection method: clinical testing. Allele origin: germline.
Comment: Algorithms developed to predict the effect of sequence changes on RNA splicing suggest that this variant may disrupt the consensus splice site. Advanced modeling of protein sequence and biophysical properties (such as structural, functional, and spatial information, amino acid conservation, physicochemical variation, residue mobility, and thermodynamic stability) performed at Invitae indicates that this missense variant is expected to disrupt TRRAP protein function. This variant has not been reported in the literature in individuals affected with TRRAP-related conditions. This variant is not present in population databases (gnomAD no frequency). This sequence change replaces glycine, which is neutral and non-polar, with valine, which is neutral and non-polar, at codon 3097 of the TRRAP protein (p.Gly3097Val). In summary, the available evidence is currently insufficient to determine the role of this variant in disease. Therefore, it has been classified as a Variant of Uncertain Significance.